The following is an entry in ClinVar:

NM_172107.4(KCNQ2):c.570C>A (p.Asn190Lys)

Gene: KCNQ2 (potassium voltage-gated channel subfamily Q member 2; minus strand). Cytogenetic location: 20q13.33.
Variant type: single nucleotide variant.
Coding change: c.570C>A on transcript NM_172107.4 (MANE Select); coding-DNA position 570, C replaced by A.
Protein change: p.Asn190Lys; replaces asparagine 190 with lysine.
Molecular consequence: missense variant.
Genome position (GRCh38, 1-based): chr20:63,444,779, G>T on the plus strand (C>A on the coding strand, the complement: KCNQ2 is on the minus strand). VCF-style: chr20-63444779-G-T. GRCh37 (hg19) VCF-style: chr20-62076132-G-T.
Other names: c.570C>A, p.Asn190Lys (NM_001382235.1, NM_004518.6, NM_172106.3 and 2 more transcripts); short protein forms N190K.
Identifiers: ClinVar variation 1058699 (VCV001058699.10), dbSNP rs116087798, ClinGen allele CA409654862.

ClinVar aggregate classification (germline): Uncertain significance (1 of 4 stars; one submission).

Conditions:
Early-infantile DEE. Also called: Ohtahara syndrome; Early infantile epileptic encephalopathy with suppression bursts; Early infantile epileptic encephalopathy. Identifiers: Orphanet 1934, MedGen C0393706, MONDO:0800491.

Submission:

Labcorp Genetics (formerly Invitae), Labcorp
Classification: Uncertain significance for Early-infantile DEE. Last evaluated: 2020-03-23. Review status: criteria provided, single submitter. Criteria: Invitae Variant Classification Sherloc (09022015). Collection method: clinical testing. Allele origin: germline.
Comment: In summary, the available evidence is currently insufficient to determine the role of this variant in disease. Therefore, it has been classified as a Variant of Uncertain Significance. Algorithms developed to predict the effect of missense changes on protein structure and function are either unavailable or do not agree on the potential impact of this missense change (SIFT: "Tolerated"; PolyPhen-2: "Possibly Damaging"; Align-GVGD: "Class C0"). This variant has not been reported in the literature in individuals with KCNQ2-related conditions. This variant is not present in population databases (ExAC no frequency). This sequence change replaces asparagine with lysine at codon 190 of the KCNQ2 protein (p.Asn190Lys). The asparagine residue is highly conserved and there is a moderate physicochemical difference between asparagine and lysine.